The following is an entry in ClinVar:

NM_030780.5(SLC25A32):c.798_808dup (p.Trp270fs)

Gene: SLC25A32 (solute carrier family 25 member 32; minus strand). Cytogenetic location: 8q22.3.
Variant type: Duplication.
Coding change: c.798_808dup on transcript NM_030780.5 (MANE Select); coding-DNA positions 798 to 808, 11 bases duplicated (CACAAAGACAT).
Protein change: p.Trp270fs; shifts the reading frame from tryptophan 270.
Molecular consequence: frameshift variant. On other transcripts: non-coding transcript variant (2).
Genome position (GRCh38, 1-based): chr8:103,401,520-103,401,530, ATGTCTTTGTG duplicated on the plus strand (CACAAAGACAT on the coding strand, the reverse complement: SLC25A32 is on the minus strand); duplicating any 11 consecutive bases within chr8:103,401,520-103,401,532 gives the same sequence; the c. name uses the placement nearest the transcript's 3' end. VCF-style (leftmost placement, unchanged base first): chr8-103401519-C-CATGTCTTTGTG. GRCh37 (hg19) VCF-style: chr8-104413747-C-CATGTCTTTGTG.
Other names: short protein forms W270fs.
Identifiers: ClinVar variation 2748229 (VCV002748229.3), dbSNP rs2488188495, ClinGen allele CA2697550103.
Genomic context (GRCh38, chr8:103,401,519, plus strand): 5'-TCTAAGATATGCAAGGTACCTTGTCAAAGCAATTTTTGATATAGCACGTGCTCTCACCTC[C>CATGTCTTTGTG]ATGTCTTTGTGATTACATCTATTACACCACTGTAAAACATGTGTTGATCCTGAAGACGAG-3'

ClinVar aggregate classification (germline): Uncertain significance (1 of 4 stars; one submission).

Submission:

Labcorp Genetics (formerly Invitae), Labcorp
Classification: Uncertain significance. Last evaluated: 2023-07-29. Review status: criteria provided, single submitter. Criteria: Invitae Variant Classification Sherloc (09022015). Collection method: clinical testing. Allele origin: germline.
Comment: In summary, the available evidence is currently insufficient to determine the role of this variant in disease. Therefore, it has been classified as a Variant of Uncertain Significance. This variant has not been reported in the literature in individuals affected with SLC25A32-related conditions. This variant is not present in population databases (gnomAD no frequency). This sequence change creates a premature translational stop signal (p.Trp270Serfs*21) in the SLC25A32 gene. While this is not anticipated to result in nonsense mediated decay, it is expected to disrupt the last 46 amino acid(s) of the SLC25A32 protein.